The following is an entry in ClinVar:

NM_138691.3(TMC1):c.1751A>G (p.Gln584Arg)

Gene: TMC1 (transmembrane channel like 1; plus strand). Cytogenetic location: 9q21.13.
Variant type: single nucleotide variant.
Coding change: c.1751A>G on transcript NM_138691.3 (MANE Select); coding-DNA position 1751, A replaced by G.
Protein change: p.Gln584Arg; replaces glutamine 584 with arginine.
Molecular consequence: missense variant.
Genome position (GRCh38, 1-based): chr9:72,816,198, A>G. VCF-style: chr9-72816198-A-G. GRCh37 (hg19) VCF-style: chr9-75431114-A-G.
Other names: short protein forms Q584R.
Identifiers: ClinVar variation 2097852 (VCV002097852.4), dbSNP rs377731576, ClinGen allele CA193294822.
Genomic context (GRCh38, chr9:72,816,198, plus strand): 5'-TCTAGCCTTCATACACCGAATTCGACATCAGTGGCAACGTCCTCGCTCTGATCTTCAACC[A>G]AGGCATGATCTGGTAGGCCAGCTGTTGGACAGCTTATCACTTACAGAAAAGCCTCCCAGG-3'
Protein context (NP_619636.2, residues 574-594): SGNVLALIFN[Gln584Arg]GMIWMGSFFA

ClinVar aggregate classification (germline): Likely pathogenic (1 of 4 stars; one submission).

Allele frequency attached by ClinVar (database versions not stated): TOPMed 0.00001; ESP Exome Variant Server 0.00008.

Submission:

Labcorp Genetics (formerly Invitae), Labcorp
Classification: Likely pathogenic. Last evaluated: 2025-03-31. Review status: criteria provided, single submitter. Criteria: Invitae Variant Classification Sherloc (09022015). Collection method: clinical testing. Allele origin: germline.
Comment: This sequence change replaces glutamine, which is neutral and polar, with arginine, which is basic and polar, at codon 584 of the TMC1 protein (p.Gln584Arg). This variant is not present in population databases (gnomAD no frequency). This missense change has been observed in individual(s) with autosomal recessive deafness (internal data). In at least one individual the data is consistent with being in trans (on the opposite chromosome) from a pathogenic variant. ClinVar contains an entry for this variant (Variation ID: 2097852). Invitae Evidence Modeling of protein sequence and biophysical properties (such as structural, functional, and spatial information, amino acid conservation, physicochemical variation, residue mobility, and thermodynamic stability) indicates that this missense variant is expected to disrupt TMC1 protein function with a positive predictive value of 95%. In summary, the currently available evidence indicates that the variant is pathogenic, but additional data are needed to prove that conclusively. Therefore, this variant has been classified as Likely Pathogenic.